The following is an entry in ClinVar:

ClinVar aggregate classification (germline): Uncertain significance (1 of 4 stars; one submission).

Conditions:
PLXNA4-related disorder. Also called: PLXNA4-related condition.

Submission:

PreventionGenetics, part of Exact Sciences
Classification: Uncertain significance for PLXNA4-related condition. Last evaluated: 2025-03-26. Review status: criteria provided, single submitter. Criteria: ACMG Guidelines, 2015. Collection method: clinical testing. Allele origin: germline.
Comment: The PLXNA4 c.5444A>C variant is predicted to result in the amino acid substitution p.Tyr1815Ser. To our knowledge, this variant has not been reported in the literature or in a large population database (gnomAD), indicating this variant is rare. At this time, the clinical significance of this variant is uncertain due to the absence of conclusive functional and genetic evidence.

NM_020911.2(PLXNA4):c.5444A>C (p.Tyr1815Ser)

Gene: PLXNA4 (plexin A4; minus strand). Cytogenetic location: 7q32.3.
Variant type: single nucleotide variant.
Coding change: c.5444A>C on transcript NM_020911.2 (MANE Select); coding-DNA position 5444, A replaced by C.
Protein change: p.Tyr1815Ser; replaces tyrosine 1815 with serine.
Molecular consequence: missense variant.
Genome position (GRCh38, 1-based): chr7:132,133,194, T>G on the plus strand (A>C on the coding strand, the complement: PLXNA4 is on the minus strand). VCF-style: chr7-132133194-T-G. GRCh37 (hg19) VCF-style: chr7-131817953-T-G.
Other names: c.5444A>C, p.Tyr1815Ser (NM_001393897.1); short protein forms Y1815S.
Identifiers: ClinVar variation 4999721 (VCV004999721.1).